The following is an entry in ClinVar:

NM_000501.4(ELN):c.799+1G>A

Gene: ELN (elastin; plus strand). Cytogenetic location: 7q11.23.
Variant type: single nucleotide variant.
Coding change: c.799+1G>A on transcript NM_000501.4 (MANE Select); the canonical splice donor site of the intron after coding-DNA position 799, G replaced by A.
Molecular consequence: splice donor variant.
Genome position (GRCh38, 1-based): chr7:74,048,557, G>A. VCF-style: chr7-74048557-G-A. GRCh37 (hg19) VCF-style: chr7-73462887-G-A.
Other names: c.814+1G>A (NM_001081754.3, NM_001081753.3); c.799+1G>A (NM_001278939.2, NM_001278915.2, NM_001278912.2 and 1 more transcripts); c.757+1G>A (NM_001278916.2); c.691+1G>A (NM_001278913.2); c.784+1G>A (NM_001278914.2); c.769+1G>A (NM_001278917.2, NM_001081752.3); c.667+1G>A (NM_001278918.2).
Identifiers: ClinVar variation 3654025 (VCV003654025.2).
Genomic context (GRCh38, chr7:74,048,557, plus strand): 5'-CCCCAGGGGTTGGCCCCCAGGCAGCAGCAGCAGCGGCAGCTAAAGCAGCAGCAAAGTTCG[G>A]TGAGTGCCCCTGGAGTCCCCACCTGGTGGCCTCCAGGCCCCTAGCCTCTCCATTCCCATT-3'

ClinVar aggregate classification (germline): Likely pathogenic (1 of 4 stars; one submission).

Conditions:
Supravalvar aortic stenosis (SVAS). Also called: Supravalvar aortic stenosis, Eisenberg type. Identifiers: Orphanet 3193, MedGen C0003499, MONDO:0008504, OMIM 185500, HP:0004381.

Submission:

Labcorp Genetics (formerly Invitae), Labcorp
Classification: Likely pathogenic for Supravalvar aortic stenosis. Last evaluated: 2024-05-21. Review status: criteria provided, single submitter. Criteria: Invitae Variant Classification Sherloc (09022015). Collection method: clinical testing. Allele origin: germline.
Comment: This sequence change affects a donor splice site in intron 15 of the ELN gene. It is expected to disrupt RNA splicing. Variants that disrupt the donor or acceptor splice site typically lead to a loss of protein function (PMID: 16199547), and loss-of-function variants in ELN are known to be pathogenic (PMID: 11175284). This variant is not present in population databases (gnomAD no frequency). This variant has not been reported in the literature in individuals affected with ELN-related conditions. Algorithms developed to predict the effect of sequence changes on RNA splicing suggest that this variant may disrupt the consensus splice site. In summary, the currently available evidence indicates that the variant is pathogenic, but additional data are needed to prove that conclusively. Therefore, this variant has been classified as Likely Pathogenic.

Literature cited by the submitters: PubMed 16199547; PubMed 11175284.